The following is an entry in ClinVar:

NM_000111.3(SLC26A3):c.1609del (p.Ile537fs)

Gene: SLC26A3 (solute carrier family 26 member 3; minus strand). Cytogenetic location: 7q22.3.
Variant type: Deletion.
Coding change: c.1609del on transcript NM_000111.3 (MANE Select); coding-DNA position 1609, one base deleted (A; older notation c.1609delA).
Protein change: p.Ile537fs; shifts the reading frame from isoleucine 537.
Molecular consequence: frameshift variant.
Genome position (GRCh38, 1-based): chr7:107,776,520, T deleted on the plus strand (A on the coding strand, the reverse complement: SLC26A3 is on the minus strand); the first of 4 consecutive T bases (chr7:107,776,520-107,776,523); deleting any one gives the same sequence. VCF-style (leftmost placement, unchanged base first): chr7-107776519-AT-A. GRCh37 (hg19) VCF-style: chr7-107416964-AT-A.
Other names: c.1609delA (NM_000111.2); short protein forms I537fs.
Identifiers: ClinVar variation 55983 (VCV000055983.5), dbSNP rs386833465, ClinGen allele CA144072.
Genomic context (GRCh38, chr7:107,776,519, plus strand): 5'-ATAAGTTTCCGCCTAAAGAAACCAATGTTTGCAAAGTAGATAGGAGATGGACATCTGAAA[AT>A]TTTCACTCCTTCTGGCTCATACATCTGTAAGGCAGAGAAGCATTGTTAGGTGTTGCCCAT-3'

ClinVar aggregate classification (germline): Pathogenic. Review status: criteria provided, single submitter (1 of 4 stars). 2 submissions from 2 submitters: Pathogenic (1). 1 of the submissions does not count toward it. Last evaluated 2024-01-17.

Conditions:
Congenital secretory diarrhea, chloride type (DIAR1). Also called: DIARRHEA 1, SECRETORY CHLORIDE, CONGENITAL; CHLORIDORRHEA, CONGENITAL; CHLORIDE DIARRHEA, CONGENITAL, FINNISH TYPE. Identifiers: Orphanet 53689, MedGen C0267662, MONDO:0008964, OMIM 214700.

Submissions (2):

Labcorp Genetics (formerly Invitae), Labcorp
Classification: Pathogenic. Last evaluated: 2024-01-17. Review status: criteria provided, single submitter. Criteria: Invitae Variant Classification Sherloc (09022015). Collection method: clinical testing. Allele origin: germline.
Comment: This sequence change creates a premature translational stop signal (p.Ile537Phefs*39) in the SLC26A3 gene. It is expected to result in an absent or disrupted protein product. Loss-of-function variants in SLC26A3 are known to be pathogenic (PMID: 9718329, 21394828). This variant is present in population databases (rs386833465, gnomAD 0.0009%). This premature translational stop signal has been observed in individual(s) with congenital chloride diarrhea (PMID: 9718329). ClinVar contains an entry for this variant (Variation ID: 55983). For these reasons, this variant has been classified as Pathogenic.

Juha Muilu Group; Institute for Molecular Medicine Finland (FIMM)
Classification: Likely pathogenic for Congenital secretory diarrhea, chloride type. Review status: no assertion criteria provided. Collection method: not provided. Allele origin: unknown. Not counted in ClinVar's aggregate classification.
Comment: FinDis database variant: This variant was not found or characterized by our laboratory, data were collected from public sources: see reference
ClinVar note: Converted during submission from probable-pathogenic to Likely pathogenic.

Literature cited by the submitters: PubMed 9718329 (cited by Labcorp Genetics (formerly Invitae), Labcorp); PubMed 21394828 (cited by Labcorp Genetics (formerly Invitae), Labcorp).